The following is an entry in ClinVar:

ClinVar aggregate classification (germline): Uncertain significance (1 of 4 stars; one submission).

Conditions:
Hereditary nonpolyposis colorectal neoplasms. Identifiers: MedGen C0009405, MeSH D003123.

Submission:

Labcorp Genetics (formerly Invitae), Labcorp
Classification: Uncertain significance for Hereditary nonpolyposis colorectal neoplasms. Last evaluated: 2025-12-10. Review status: criteria provided, single submitter. Criteria: Invitae Variant Classification Sherloc (09022015). Collection method: clinical testing. Allele origin: germline.
Comment: This sequence change replaces glycine, which is neutral and non-polar, with cysteine, which is neutral and slightly polar, at codon 685 of the MSH6 protein (p.Gly685Cys). This variant is not present in population databases (gnomAD no frequency). This variant has not been reported in the literature in individuals affected with MSH6-related conditions. Invitae Evidence Modeling of protein sequence and biophysical properties (such as structural, functional, and spatial information, amino acid conservation, physicochemical variation, residue mobility, and thermodynamic stability) has been performed for this missense variant. However, the output from this modeling did not meet the statistical confidence thresholds required to predict the impact of this variant on MSH6 protein function. In summary, the available evidence is currently insufficient to determine the role of this variant in disease. Therefore, it has been classified as a Variant of Uncertain Significance.

NM_000179.3(MSH6):c.2053G>T (p.Gly685Cys)

Gene: MSH6 (mutS homolog 6; plus strand). Cytogenetic location: 2p16.3.
Variant type: single nucleotide variant.
Coding change: c.2053G>T on transcript NM_000179.3 (MANE Select); coding-DNA position 2053, G replaced by T.
Protein change: p.Gly685Cys; replaces glycine 685 with cysteine.
Molecular consequence: missense variant. On other transcripts: non-coding transcript variant (5), intron variant (2).
Genome position (GRCh38, 1-based): chr2:47,800,036, G>T. VCF-style: chr2-47800036-G-T. GRCh37 (hg19) VCF-style: chr2-48027175-G-T.
Other names: c.1663G>T, p.Gly555Cys (NM_001281492.2); c.1147G>T, p.Gly383Cys (NM_001281493.2, NM_001281494.2, NM_001406811.1 and 6 more transcripts); c.2149G>T, p.Gly717Cys (NM_001406795.1, NM_001406802.1); c.2053G>T, p.Gly685Cys (NM_001406796.1, NM_001406798.1, NM_001406800.1 and 3 more transcripts); c.1756G>T, p.Gly586Cys (NM_001406797.1, NM_001406801.1, NM_001406805.1 and 10 more transcripts); c.1528G>T, p.Gly510Cys (NM_001406799.1, NM_001406806.1, NM_001406807.1); c.1975G>T, p.Gly659Cys (NM_001406804.1); c.2059G>T, p.Gly687Cys (NM_001406813.1); and 3 more; short protein forms G383C, G510C, G555C, G586C, G629C, G659C, G685C, G687C.
Identifiers: ClinVar variation 4800208 (VCV004800208.1).
Genomic context (GRCh38, chr2:47,800,036, plus strand): 5'-GAGTCTGATTCCATTGGGTTGACACCAGGAGAGAAAAGTGAATTGGCCCTCTCTGCTCTA[G>T]GTGGTTGTGTCTTCTACCTCAAAAAATGCCTTATTGATCAGGAGCTTTTATCAATGGCTA-3'
Protein context (NP_000170.1, residues 675-695): EKSELALSAL[Gly685Cys]GCVFYLKKCL